The following is an entry in ClinVar:

ClinVar aggregate classification (germline): Likely pathogenic (1 of 4 stars; one submission).

Conditions:
Retinitis pigmentosa 9 (RP9). Identifiers: Orphanet 791, MedGen C1867300, MONDO:0008378, OMIM 180104.

Submission:

Diagnostics Services (NGS), CSIR - Centre For Cellular And Molecular Biology
Classification: Likely pathogenic for Retinitis pigmentosa 9. Last evaluated: 2024-09-10. Review status: criteria provided, single submitter. Criteria: ACMG Guidelines, 2015. Collection method: clinical testing. Allele origin: unknown. Affected: yes. Observed: 1 variant allele, 1 heterozygote.
Comment: The c.484_485del variant is not present in publicly available population databases like 1000 Genomes, EVS, ExAC, Indian Exome Database or our in-house exome database. The variant is present in gnomAD, at a low frequency. This variant has neither been published in the literature in individuals affected with RP9-related conditions nor reported to clinical databases like ClinVar, Human Gene Mutation Database (HGMD) or OMIM in any affected individuals. In-silico pathogenicity prediction programs like MutationTaster2, CADD, Varsome, Franklin etc. predicted these variants to be likely deleterious. This variant causes frameshift at the 162nd amino acid position of the wild-type transcript, which creates a premature translational stop-signal at the altered transcript that may either result in translation of a truncated protein or cause nonsense-mediated decay of the mRNA.

NM_203288.2(RP9):c.484_485del (p.Gln162fs)

Gene: RP9 (RP9 pre-mRNA splicing factor; minus strand). Cytogenetic location: 7p14.3.
Variant type: Deletion.
Coding change: c.484_485del on transcript NM_203288.2 (MANE Select); coding-DNA positions 484 to 485, 2 bases deleted (CA; older notation c.484_485delCA).
Protein change: p.Gln162fs; shifts the reading frame from glutamine 162.
Molecular consequence: frameshift variant.
Genome position (GRCh38, 1-based): chr7:33,095,415-33,095,416, TG deleted on the plus strand (CA on the coding strand, the reverse complement: RP9 is on the minus strand); deleting any 2 consecutive bases within chr7:33,095,415-33,095,417 gives the same sequence; the c. name uses the placement nearest the transcript's 3' end. VCF-style (leftmost placement, unchanged base first): chr7-33095414-CTG-C. GRCh37 (hg19) VCF-style: chr7-33135026-CTG-C.
Other names: short protein forms Q162fs.
Identifiers: ClinVar variation 3340512 (VCV003340512.1).